The following is an entry in ClinVar:

NM_013432.5(TONSL):c.1627C>T (p.Arg543Cys)

Genes: TONSL (tonsoku like, DNA repair protein; minus strand), TONSL-AS1 (TONSL antisense RNA 1; plus strand). Cytogenetic location: 8q24.3.
Variant type: single nucleotide variant.
Coding change: c.1627C>T on transcript NM_013432.5 (MANE Select); coding-DNA position 1627, C replaced by T.
Protein change: p.Arg543Cys; replaces arginine 543 with cysteine.
Molecular consequence: missense variant.
Genome position (GRCh38, 1-based): chr8:144,438,497, G>A on the plus strand (C>T on the coding strand, the complement: TONSL is on the minus strand). VCF-style: chr8-144438497-G-A. GRCh37 (hg19) VCF-style: chr8-145663880-G-A.
Other names: c.1627C>T (NM_013432.4); short protein forms R543C.
Identifiers: ClinVar variation 1474543 (VCV001474543.5), dbSNP rs754770644, ClinGen allele CA4943140.
Genomic context (GRCh38, chr8:144,438,497, plus strand): 5'-GGCAGCCTGTCCCACGTCCCAGAGCGGGGCCCACCTGCCTCACAAGGTCCTGGACGCGGC[G>A]CAGCTGGCCCTCGATGCAGGCTCGGTGCAGCAGGGTCTCCCCCATGTCGTTTCGCCGGTT-3'
Protein context (NP_038460.4, residues 533-553): LHRACIEGQL[Arg543Cys]RVQDLVRQGH

ClinVar aggregate classification (germline): Uncertain significance. Review status: criteria provided, multiple submitters, no conflicts (2 of 4 stars). 2 submissions from 2 submitters: Uncertain significance (2). Last evaluated 2024-07-29.

Conditions:
Inborn genetic diseases. Identifiers: MedGen C0950123, MeSH D030342.

Allele frequency attached by ClinVar (database versions not stated): ExAC 0.00001; gnomAD exomes 0.00001; gnomAD 0.00003; TOPMed 0.00003.

Submissions (2):

Labcorp Genetics (formerly Invitae), Labcorp
Classification: Uncertain significance. Last evaluated: 2024-07-29. Review status: criteria provided, single submitter. Criteria: Invitae Variant Classification Sherloc (09022015). Collection method: clinical testing. Allele origin: germline.
Comment: This sequence change replaces arginine, which is basic and polar, with cysteine, which is neutral and slightly polar, at codon 543 of the TONSL protein (p.Arg543Cys). This variant is present in population databases (rs754770644, gnomAD 0.002%). This variant has not been reported in the literature in individuals affected with TONSL-related conditions. ClinVar contains an entry for this variant (Variation ID: 1474543). Advanced modeling of protein sequence and biophysical properties (such as structural, functional, and spatial information, amino acid conservation, physicochemical variation, residue mobility, and thermodynamic stability) performed at Invitae indicates that this missense variant is expected to disrupt TONSL protein function with a positive predictive value of 80%. In summary, the available evidence is currently insufficient to determine the role of this variant in disease. Therefore, it has been classified as a Variant of Uncertain Significance.

Ambry Genetics
Classification: Uncertain significance for Inborn genetic diseases. Last evaluated: 2022-12-14. Review status: criteria provided, single submitter. Criteria: Ambry Variant Classification Scheme 2023. Collection method: clinical testing. Allele origin: germline.